The following is an entry in ClinVar:

ClinVar aggregate classification (germline): Uncertain significance. Review status: criteria provided, multiple submitters, no conflicts (2 of 4 stars). 3 submissions from 3 submitters: Uncertain significance (3). Last evaluated 2025-12-08.

Conditions:
3-methylglutaconic aciduria, type VIIB (MGCA7B). Also called: 3-methylglutaconic aciduria with cataracts, neurologic involvement and neutropenia; 3-methylglutaconic aciduria, type VII, with cataracts, neurologic involvement and neutropenia; CLPB Deficiency. Identifiers: Orphanet 445038, MedGen C5676893, MONDO:0014561, OMIM 616271.
Neutropenia, severe congenital, 9, autosomal dominant. Identifiers: MedGen C5676954, MONDO:0030726, OMIM 619813.
3-methylglutaconic aciduria, type VIIA. Also called: 3-METHYLGLUTACONIC ACIDURIA WITH NEUROLOGIC INVOLVEMENT AND NEUTROPENIA, AUTOSOMAL DOMINANT. Identifiers: MedGen C5676967, MONDO:0859237, OMIM 619835.
CLPB-related disorder. Also called: CLPB-related condition.

gnomAD v4.1: 8 of 1,614,062 alleles (0.0005%); highest among the groups gnomAD compares: East Asian, 0.018%; no homozygotes.

Submissions (3):

Labcorp Genetics (formerly Invitae), Labcorp
Classification: Uncertain significance for 3-methylglutaconic aciduria, type VIIB. Last evaluated: 2025-12-08. Review status: criteria provided, single submitter. Criteria: Invitae Variant Classification Sherloc (09022015). Collection method: clinical testing. Allele origin: germline.
Comment: This sequence change creates a premature translational stop signal (p.Glu701*) in the CLPB gene. While this is not anticipated to result in nonsense mediated decay, it is expected to disrupt the last 7 amino acid(s) of the CLPB protein. This variant is present in population databases (rs199561571, gnomAD 0.04%). This variant has not been reported in the literature in individuals affected with CLPB-related conditions. In summary, the available evidence is currently insufficient to determine the role of this variant in disease. Therefore, it has been classified as a Variant of Uncertain Significance.

PreventionGenetics, part of Exact Sciences
Classification: Uncertain significance for CLPB-related condition. Last evaluated: 2025-09-22. Review status: criteria provided, single submitter. Criteria: ACMG Guidelines, 2015. Collection method: clinical testing. Allele origin: germline.
Comment: The CLPB c.2101G>T variant is predicted to result in premature protein termination (p.Glu701*). To our knowledge, this variant has not been reported in the literature. This variant is reported in 0.038% of alleles in individuals of East Asian descent in gnomAD. Truncating variants upstream of this position have been reported in biallelic individuals with variable developmental, progressive encephalopathy, and movement disorder features (for example, Pronicka et al. 2017. PubMed ID: 28687938) and, to our knowledge, there are no documented causative variants downstream of the p.701* variant identified in this individual. Although we suspect that this variant may be pathogenic, at this time, the clinical significance of this variant is uncertain due to the absence of conclusive functional and genetic evidence.

Juno Genomics, Hangzhou Juno Genomics, Inc
Classification: Uncertain significance for 3-methylglutaconic aciduria, type VIIA; 3-methylglutaconic aciduria, type VIIB; Neutropenia, severe congenital, 9, autosomal dominant. Review status: criteria provided, single submitter. Criteria: ACMG Guidelines, 2015. Collection method: clinical testing. Allele origin: germline.
Comment: Null variant in a gene where loss of function (LOF) is a known mechanism of disease.;Absent from controls (or at extremely low frequency if recessive) in Genome Aggregation Database.

NM_001258392.3(CLPB):c.2011G>T (p.Glu671Ter)

Gene: CLPB (ClpB family mitochondrial disaggregase; minus strand). Cytogenetic location: 11q13.4.
Variant type: single nucleotide variant.
Coding change: c.2011G>T on transcript NM_001258392.3 (MANE Select); coding-DNA position 2011, G replaced by T.
Protein change: p.Glu671Ter; replaces glutamic acid 671 with a stop codon.
Molecular consequence: nonsense.
Genome position (GRCh38, 1-based): chr11:72,293,390, C>A on the plus strand (G>T on the coding strand, the complement: CLPB is on the minus strand). VCF-style: chr11-72293390-C-A. GRCh37 (hg19) VCF-style: chr11-72004434-C-A.
Other names: c.2101G>T (NM_030813.5); c.1924G>T, p.Glu642Ter (NM_001258393.3); c.1966G>T, p.Glu656Ter (NM_001258394.3); c.2101G>T, p.Glu701Ter (NM_030813.6); short protein forms E701*, E656*, E671*, E642*.
Identifiers: ClinVar variation 4754612 (VCV004754612.4).